The following is an entry in ClinVar:

ClinVar aggregate classification (germline): Uncertain significance (1 of 4 stars; one submission).

Conditions:
Costello syndrome (CSTLO). Also called: HRAS-Related Costello Syndrome; FACIOCUTANEOSKELETAL SYNDROME; FCS SYNDROME. Identifiers: Orphanet 3071, MedGen C0587248, MONDO:0009026, OMIM 218040.

Allele frequency attached by ClinVar (database versions not stated): TOPMed below 0.00001; gnomAD 0.00001.
gnomAD v4.1: 1 of 1,612,784 alleles (0.000062%); highest among the groups gnomAD compares: Non-Finnish European, 0.000085%; no homozygotes.

Submission:

Labcorp Genetics (formerly Invitae), Labcorp
Classification: Uncertain significance for Costello syndrome. Last evaluated: 2020-04-27. Review status: criteria provided, single submitter. Criteria: Invitae Variant Classification Sherloc (09022015). Collection method: clinical testing. Allele origin: germline.
Comment: This sequence change replaces alanine with threonine at codon 155 of the HRAS protein (p.Ala155Thr). The alanine residue is highly conserved and there is a small physicochemical difference between alanine and threonine. This variant is not present in population databases (ExAC no frequency). This variant has not been reported in the literature in individuals with HRAS-related conditions. Algorithms developed to predict the effect of missense changes on protein structure and function (SIFT, PolyPhen-2, Align-GVGD) all suggest that this variant is likely to be disruptive, but these predictions have not been confirmed by published functional studies and their clinical significance is uncertain. In summary, the available evidence is currently insufficient to determine the role of this variant in disease. Therefore, it has been classified as a Variant of Uncertain Significance.

NM_005343.4(HRAS):c.463G>A (p.Ala155Thr)

Genes: LRRC56 (leucine rich repeat containing 56; plus strand), HRAS (HRas proto-oncogene, GTPase; minus strand). Cytogenetic location: 11p15.5.
Variant type: single nucleotide variant.
Coding change: c.463G>A on transcript NM_005343.4 (MANE Select); coding-DNA position 463, G replaced by A.
Protein change: p.Ala155Thr; replaces alanine 155 with threonine.
Molecular consequence: missense variant. On other transcripts: 3 prime UTR variant (1).
Genome position (GRCh38, 1-based): chr11:532,743, C>T on the plus strand (G>A on the coding strand, the complement: HRAS is on the minus strand). VCF-style: chr11-532743-C-T. GRCh37 (hg19) VCF-style: chr11-532743-C-T.
Other names: c.463G>A, p.Ala155Thr (NM_001130442.3); c.226G>A, p.Ala76Thr (NM_001318054.2); c.*32G>A (NM_176795.5); short protein forms A155T, A76T.
Identifiers: ClinVar variation 1063343 (VCV001063343.9), dbSNP rs1171537215, ClinGen allele CA378921219.
Genomic context (GRCh38, chr11:532,743, plus strand): 5'-CAGGAGGGTTCAGCTTCCGCAGCTTGTGCTGCCGGATCTCACGCACCAACGTGTAGAAGG[C>T]ATCCTCCACTCCCTGGGAAAGGAGGGATGGGATCAGGAGGGACCGGCCTGTGGCCGCCTG-3'
Protein context (NP_005334.1, residues 145-165): SAKTRQGVED[Ala155Thr]FYTLVREIRQ